The following is an entry in ClinVar:

NM_003640.5(ELP1):c.703G>A (p.Glu235Lys)

Gene: ELP1 (elongator acetyltransferase complex subunit 1; minus strand). Cytogenetic location: 9q31.3.
Variant type: single nucleotide variant.
Coding change: c.703G>A on transcript NM_003640.5 (MANE Select); coding-DNA position 703, G replaced by A.
Protein change: p.Glu235Lys; replaces glutamic acid 235 with lysine.
Molecular consequence: missense variant. On other transcripts: intron variant (1).
Genome position (GRCh38, 1-based): chr9:108,918,848, C>T on the plus strand (G>A on the coding strand, the complement: ELP1 is on the minus strand). VCF-style: chr9-108918848-C-T. GRCh37 (hg19) VCF-style: chr9-111681128-C-T.
Other names: c.703G>A (LRG_251t1); c.361G>A, p.Glu121Lys (NM_001318360.2); c.-307-1178G>A (NM_001330749.2); short protein forms E121K, E235K.
Identifiers: ClinVar variation 656083 (VCV000656083.7), dbSNP rs1274927283, ClinGen allele CA374386823.

ClinVar aggregate classification (germline): Uncertain significance. Review status: criteria provided, single submitter (1 of 4 stars). 2 submissions from 2 submitters: Uncertain significance (1). 1 of the submissions does not count toward it. Last evaluated 2021-09-01.

Conditions:
Familial dysautonomia. Also called: FD; HSAN III. Identifiers: Orphanet 1764, MedGen C0013364, MONDO:0009131, OMIM 223900. Disease mechanism: loss of function.

Allele frequency attached by ClinVar (database versions not stated): gnomAD exomes below 0.00001; TOPMed below 0.00001; gnomAD 0.00001.
gnomAD v4.1: 3 of 1,614,036 alleles (0.00019%); highest among the groups gnomAD compares: East Asian, 0.0045%; no homozygotes.

Submissions (2):

Labcorp Genetics (formerly Invitae), Labcorp
Classification: Uncertain significance. Last evaluated: 2021-09-01. Review status: criteria provided, single submitter. Criteria: Invitae Variant Classification Sherloc (09022015). Collection method: clinical testing. Allele origin: germline.
Comment: This sequence change replaces glutamic acid with lysine at codon 235 of the ELP1 protein (p.Glu235Lys). The glutamic acid residue is highly conserved and there is a small physicochemical difference between glutamic acid and lysine. This variant is not present in population databases (ExAC no frequency). This variant has not been reported in the literature in individuals affected with ELP1-related conditions. Algorithms developed to predict the effect of missense changes on protein structure and function are either unavailable or do not agree on the potential impact of this missense change (SIFT: "Tolerated"; PolyPhen-2: "Probably Damaging"; Align-GVGD: "Class C0"). In summary, the available evidence is currently insufficient to determine the role of this variant in disease. Therefore, it has been classified as a Variant of Uncertain Significance.

Natera, Inc.
Classification: Uncertain significance for Familial dysautonomia. Last evaluated: 2020-09-01. Review status: no assertion criteria provided. Collection method: clinical testing. Allele origin: germline. Not counted in ClinVar's aggregate classification.